The following is an entry in ClinVar:

NM_004369.4(COL6A3):c.9290T>C (p.Leu3097Pro)

Gene: COL6A3 (collagen type VI alpha 3 chain; minus strand). Cytogenetic location: 2q37.3.
Variant type: single nucleotide variant.
Coding change: c.9290T>C on transcript NM_004369.4 (MANE Select); coding-DNA position 9290, T replaced by C.
Protein change: p.Leu3097Pro; replaces leucine 3097 with proline.
Molecular consequence: missense variant.
Genome position (GRCh38, 1-based): chr2:237,333,488, A>G on the plus strand (T>C on the coding strand, the complement: COL6A3 is on the minus strand). VCF-style: chr2-237333488-A-G. GRCh37 (hg19) VCF-style: chr2-238242131-A-G.
Other names: c.9290T>C (NM_004369.3); c.7469T>C, p.Leu2490Pro (NM_057166.5); c.8672T>C, p.Leu2891Pro (NM_057167.4); short protein forms L3097P, L2891P, L2490P.
Identifiers: ClinVar variation 282275 (VCV000282275.16), dbSNP rs886042363, ClinGen allele CA10604129.

ClinVar aggregate classification (germline): Uncertain significance. Review status: criteria provided, multiple submitters, no conflicts (2 of 4 stars). 3 submissions from 3 submitters: Uncertain significance (3). Last evaluated 2020-11-07.

Conditions:
Bethlem myopathy 1A. Also called: Bethlem myopathy 1; MYOPATHY, BENIGN CONGENITAL, WITH CONTRACTURES; Bethlem Muscular Dystrophy. Identifiers: Orphanet 610, MedGen CN029274, MONDO:0024530, OMIM 158810.

Allele frequency attached by ClinVar (database versions not stated): gnomAD exomes below 0.00001 and 0.00001.
gnomAD v4.1: 6 of 1,614,218 alleles (0.00037%); highest among the groups gnomAD compares: South Asian, 0.0066%; no homozygotes.

Submissions (3):

Labcorp Genetics (formerly Invitae), Labcorp
Classification: Uncertain significance for Bethlem myopathy 1A. Last evaluated: 2020-11-07. Review status: criteria provided, single submitter. Criteria: Invitae Variant Classification Sherloc (09022015). Collection method: clinical testing. Allele origin: germline.
Comment: This sequence change replaces leucine with proline at codon 3097 of the COL6A3 protein (p.Leu3097Pro). The leucine residue is moderately conserved and there is a moderate physicochemical difference between leucine and proline. This variant is not present in population databases (ExAC no frequency). This variant has not been reported in the literature in individuals with COL6A3-related conditions. ClinVar contains an entry for this variant (Variation ID: 282275). Advanced modeling of protein sequence and biophysical properties (such as structural, functional, and spatial information, amino acid conservation, physicochemical variation, residue mobility, and thermodynamic stability) performed at Invitae indicates that this missense variant is not expected to disrupt COL6A3 protein function. In summary, the available evidence is currently insufficient to determine the role of this variant in disease. Therefore, it has been classified as a Variant of Uncertain Significance.

Revvity Omics, Revvity
Classification: Uncertain significance. Last evaluated: 2019-02-27. Review status: criteria provided, single submitter. Criteria: ACMG Guidelines, 2015. Collection method: clinical testing. Allele origin: germline.

Eurofins Ntd Llc (ga)
Classification: Uncertain significance. Last evaluated: 2015-08-24. Review status: criteria provided, single submitter. Criteria: EGL Classification Definitions 2015. Collection method: clinical testing. Allele origin: germline. Observed: 1 variant allele, 1 heterozygote.